The following is an entry in ClinVar:

ClinVar aggregate classification (germline): Benign/Likely benign. Review status: criteria provided, multiple submitters, no conflicts (2 of 4 stars). 3 submissions from 3 submitters: Benign (1); Likely benign (2). Last evaluated 2018-08-06.

Conditions:
Mitochondrial complex V (ATP synthase) deficiency, nuclear type 1. Also called: Nuclear-Encoded ATPase Deficiency, ATPAF2-Related; MITOCHONDRIAL COMPLEX V (ATP SYNTHASE) DEFICIENCY, ATPAF2 TYPE. Identifiers: Orphanet 254913, MedGen C3276276, MONDO:0011421, OMIM 604273.

Allele frequency attached by ClinVar (database versions not stated): TOPMed 0.00530; gnomAD 0.00530 and 0.00513; 1000 Genomes Project 30x 0.01093; 1000 Genomes Project 0.01098; gnomAD exomes 0.00195.
gnomAD v4.1: 2,901 of 1,185,474 alleles (0.24%); highest among the groups gnomAD compares: East Asian, 2.7%; 25 homozygotes.

Submissions (3):

GeneDx
Classification: Likely benign. Last evaluated: 2018-08-06. Review status: criteria provided, single submitter. Criteria: GeneDx Variant Classification Process June 2021. Collection method: clinical testing. Allele origin: germline. Affected: yes.

Illumina Laboratory Services, Illumina
Classification: Benign for Mitochondrial complex V (ATP synthase) deficiency, nuclear type 1. Last evaluated: 2018-01-12. Review status: criteria provided, single submitter. Criteria: ICSL Variant Classification Criteria 13 December 2019. Collection method: clinical testing. Allele origin: germline.
Comment: This variant was observed in the ICSL laboratory as part of a predisposition screen in an ostensibly healthy population. It had not been previously curated by ICSL or reported in the Human Gene Mutation Database (HGMD: prior to June 1st, 2018), and was therefore a candidate for classification through an automated scoring system. Utilizing variant allele frequency, disease prevalence and penetrance estimates, and inheritance mode, an automated score was calculated to assess if this variant is too frequent to cause the disease. Based on the score and internal cut-off values, a variant classified as benign is not then subjected to further curation. The score for this variant resulted in a classification of benign for this disease.

Breakthrough Genomics
Classification: Likely benign. Review status: criteria provided, single submitter. Criteria: ACMG Guidelines, 2015. Collection method: not provided. Allele origin: germline. Inheritance: Autosomal recessive inheritance. Affected: yes.

NM_145691.4(ATPAF2):c.-147G>A

Genes: ATPAF2 (ATP synthase mitochondrial F1 complex assembly factor 2; minus strand), LOC130060411 (ATAC-STARR-seq lymphoblastoid active region 11822; plus strand). Cytogenetic location: 17p11.2.
Variant type: single nucleotide variant.
Coding change: c.-147G>A on transcript NM_145691.4 (MANE Select); 147 bases upstream of the start codon, G replaced by A.
Molecular consequence: 5 prime UTR variant.
Genome position (GRCh38, 1-based): chr17:18,039,160, C>T on the plus strand (G>A on the coding strand, the complement: ATPAF2 is on the minus strand). VCF-style: chr17-18039160-C-T. GRCh37 (hg19) VCF-style: chr17-17942474-C-T.
Identifiers: ClinVar variation 322099 (VCV000322099.9), dbSNP rs75249497, ClinGen allele CA10639066.